The following is an entry in ClinVar:

NM_015450.3(POT1):c.125-3C>G

Gene: POT1 (protection of telomeres 1; minus strand). Cytogenetic location: 7q31.33.
Variant type: single nucleotide variant.
Coding change: c.125-3C>G on transcript NM_015450.3 (MANE Select); 3 bases into the intron before coding-DNA position 125, C replaced by G.
Molecular consequence: intron variant.
Genome position (GRCh38, 1-based): chr7:124,871,044, G>C on the plus strand (C>G on the coding strand, the complement: POT1 is on the minus strand). VCF-style: chr7-124871044-G-C. GRCh37 (hg19) VCF-style: chr7-124511098-G-C.
Other names: c.-138-7404C>G (NM_001042594.2).
Identifiers: ClinVar variation 4824162 (VCV004824162.1).
Genomic context (GRCh38, chr7:124,871,044, plus strand): 5'-AGCAGGCAAGTTAGTTTTACATTTGTCTGGTCCACAATAGTTACAACTGAGCAATAATCT[G>C]GAAAACACAAAAATATTTTACCTGACTTTCAATATTTTAAAGCATTTGATAAAATAAGAA-3'

ClinVar aggregate classification (germline): Uncertain significance (1 of 4 stars; one submission).

Conditions:
Hereditary cancer-predisposing syndrome. Also called: Neoplastic Syndromes, Hereditary; Hereditary neoplastic syndrome; Tumor predisposition; Hereditary Cancer Syndrome. Identifiers: Orphanet 140162, MedGen C0027672, MeSH D009386, MONDO:0015356.

Submission:

Ambry Genetics
Classification: Uncertain significance for Hereditary cancer-predisposing syndrome. Last evaluated: 2026-02-02. Review status: criteria provided, single submitter. Criteria: Ambry Variant Classification Scheme 2023. Collection method: clinical testing. Allele origin: germline.
Comment: The c.125-3C>G intronic variant results from a C to G substitution 3 nucleotides upstream from coding exon 3 in the POT1 gene. This nucleotide position is well conserved in available vertebrate species. In silico splice site analysis predicts that this alteration will weaken the native splice acceptor site. Based on the available evidence, the clinical significance of this variant remains unclear.